The following is an entry in ClinVar:

NM_017696.3(MCM9):c.652C>T (p.Arg218Ter)

Gene: MCM9 (minichromosome maintenance 9 homologous recombination repair factor; minus strand). Cytogenetic location: 6q22.31.
Variant type: single nucleotide variant.
Coding change: c.652C>T on transcript NM_017696.3 (MANE Select); coding-DNA position 652, C replaced by T.
Protein change: p.Arg218Ter; replaces arginine 218 with a stop codon.
Molecular consequence: nonsense. On other transcripts: non-coding transcript variant (2).
Genome position (GRCh38, 1-based): chr6:118,922,056, G>A on the plus strand (C>T on the coding strand, the complement: MCM9 is on the minus strand). VCF-style: chr6-118922056-G-A. GRCh37 (hg19) VCF-style: chr6-119243221-G-A.
Other names: c.652C>T, p.Arg218Ter (NM_001378356.1, NM_001378357.1, NM_001378358.1 and 9 more transcripts); c.454C>T, p.Arg152Ter (NM_001378361.1, NM_001378362.1, NM_001378363.1 and 3 more transcripts); short protein forms R218*, R152*.
Identifiers: ClinVar variation 4987510 (VCV004987510.1).

ClinVar aggregate classification (germline): Pathogenic (1 of 4 stars; one submission).

Conditions:
MCM9-related disorder. Also called: MCM9-related condition.

Submission:

PreventionGenetics, part of Exact Sciences
Classification: Pathogenic for MCM9-related condition. Last evaluated: 2026-09-01. Review status: criteria provided, single submitter. Criteria: ACMG Guidelines, 2015. Collection method: clinical testing. Allele origin: germline.
Comment: The MCM9 c.652C>T variant is predicted to result in premature protein termination (p.Arg218*). This variant has been reported as a de novo variant in an individual with congenital diaphragmatic hernia (Table S2, Qiao et al. 2021. PubMed ID: 34547244). This variant is reported in 0.0040% of alleles in individuals of European (Finnish) descent in gnomAD. Nonsense variants in MCM9 are expected to be pathogenic. This variant is interpreted as pathogenic.